The following is an entry in ClinVar:

NM_005228.5(EGFR):c.3237G>C (p.Glu1079Asp)

Gene: EGFR (epidermal growth factor receptor; plus strand). Cytogenetic location: 7p11.2.
Variant type: single nucleotide variant.
Coding change: c.3237G>C on transcript NM_005228.5 (MANE Select); coding-DNA position 3237, G replaced by C.
Protein change: p.Glu1079Asp; replaces glutamic acid 1079 with aspartic acid.
Molecular consequence: missense variant.
Genome position (GRCh38, 1-based): chr7:55,202,591, G>C. VCF-style: chr7-55202591-G-C. GRCh37 (hg19) VCF-style: chr7-55270284-G-C.
Other names: c.3102G>C, p.Glu1034Asp (NM_001346897.2, NM_001346899.2); c.3237G>C, p.Glu1079Asp (NM_001346898.2); c.3078G>C, p.Glu1026Asp (NM_001346900.2); c.2436G>C, p.Glu812Asp (NM_001346941.2); c.3237G>C (NM_005228.3); short protein forms E1026D, E1034D, E1079D, E812D.
Identifiers: ClinVar variation 1022337 (VCV001022337.10), dbSNP rs184614596, ClinGen allele CA4266332.

ClinVar aggregate classification (germline): Uncertain significance. Review status: criteria provided, multiple submitters, no conflicts (2 of 4 stars). 2 submissions from 2 submitters: Uncertain significance (2). Last evaluated 2025-10-30.

Conditions:
EGFR-related lung cancer (EGFR). Identifiers: MedGen CN130014.
Hereditary cancer-predisposing syndrome. Also called: Hereditary Cancer Syndrome; Neoplastic Syndromes, Hereditary; Tumor predisposition; Hereditary neoplastic syndrome. Identifiers: Orphanet 140162, MedGen C0027672, MeSH D009386, MONDO:0015356.

Allele frequency attached by ClinVar (database versions not stated): gnomAD 0.00001; TOPMed 0.00001; 1000 Genomes Project 30x 0.00016; 1000 Genomes Project 0.00020.
gnomAD v4.1: 2 of 1,613,556 alleles (0.00012%); highest among the groups gnomAD compares: East Asian, 0.0045%; no homozygotes.

Submissions (2):

Ambry Genetics
Classification: Uncertain significance for Hereditary cancer-predisposing syndrome. Last evaluated: 2025-10-30. Review status: criteria provided, single submitter. Criteria: Ambry Variant Classification Scheme 2023. Collection method: clinical testing. Allele origin: germline.
Comment: The p.E1079D variant (also known as c.3237G>C), located in coding exon 27 of the EGFR gene, results from a G to C substitution at nucleotide position 3237. The glutamic acid at codon 1079 is replaced by aspartic acid, an amino acid with highly similar properties. This amino acid position is conserved. In addition, this alteration is predicted to be tolerated by in silico analysis. Based on the available evidence, the clinical significance of this variant remains unclear.

Labcorp Genetics (formerly Invitae), Labcorp
Classification: Uncertain significance for EGFR-related lung cancer. Last evaluated: 2022-10-14. Review status: criteria provided, single submitter. Criteria: Invitae Variant Classification Sherloc (09022015). Collection method: clinical testing. Allele origin: germline.
Comment: This sequence change replaces glutamic acid, which is acidic and polar, with aspartic acid, which is acidic and polar, at codon 1079 of the EGFR protein (p.Glu1079Asp). This variant is present in population databases (rs184614596, gnomAD 0.006%). This variant has not been reported in the literature in individuals affected with EGFR-related conditions. ClinVar contains an entry for this variant (Variation ID: 1022337). Algorithms developed to predict the effect of missense changes on protein structure and function (SIFT, PolyPhen-2, Align-GVGD) all suggest that this variant is likely to be tolerated. In summary, the available evidence is currently insufficient to determine the role of this variant in disease. Therefore, it has been classified as a Variant of Uncertain Significance.